The following is an entry in ClinVar:

NM_001201543.2(FAM161A):c.1715T>C (p.Leu572Ser)

Gene: FAM161A (FAM161 centrosomal protein A; minus strand). Cytogenetic location: 2p15.
Variant type: single nucleotide variant.
Coding change: c.1715T>C on transcript NM_001201543.2 (MANE Select); coding-DNA position 1715, T replaced by C.
Protein change: p.Leu572Ser; replaces leucine 572 with serine.
Molecular consequence: missense variant. On other transcripts: intron variant (1).
Genome position (GRCh38, 1-based): chr2:61,838,574, A>G on the plus strand (T>C on the coding strand, the complement: FAM161A is on the minus strand). VCF-style: chr2-61838574-A-G. GRCh37 (hg19) VCF-style: chr2-62065709-A-G.
Other names: c.1583+847T>C (NM_032180.3); short protein forms L572S.
Identifiers: ClinVar variation 1473021 (VCV001473021.3), dbSNP rs1323094309, ClinGen allele CA346985925.

ClinVar aggregate classification (germline): Uncertain significance (1 of 4 stars; one submission).

Allele frequency attached by ClinVar (database versions not stated): gnomAD 0.00001; gnomAD exomes 0.00001.
gnomAD v4.1: 18 of 1,611,160 alleles (0.0011%); highest among the groups gnomAD compares: Non-Finnish European, 0.0015%; no homozygotes.

Submission:

Labcorp Genetics (formerly Invitae), Labcorp
Classification: Uncertain significance. Last evaluated: 2022-03-09. Review status: criteria provided, single submitter. Criteria: Invitae Variant Classification Sherloc (09022015). Collection method: clinical testing. Allele origin: germline.
Comment: This sequence change replaces leucine, which is neutral and non-polar, with serine, which is neutral and polar, at codon 572 of the FAM161A protein (p.Leu572Ser). This variant is present in population databases (no rsID available, gnomAD 0.007%). This variant has not been reported in the literature in individuals affected with FAM161A-related conditions. Algorithms developed to predict the effect of missense changes on protein structure and function are either unavailable or do not agree on the potential impact of this missense change (SIFT: "Tolerated"; PolyPhen-2: "Probably Damaging"; Align-GVGD: "Class C0"). In summary, the available evidence is currently insufficient to determine the role of this variant in disease. Therefore, it has been classified as a Variant of Uncertain Significance.